The following is an entry in ClinVar:

NM_001005373.4(LRSAM1):c.2123T>G (p.Leu708Arg)

Gene: LRSAM1 (leucine rich repeat and sterile alpha motif containing 1; plus strand). Cytogenetic location: 9q34.11.
Variant type: single nucleotide variant.
Coding change: c.2123T>G on transcript NM_001005373.4 (MANE Select); coding-DNA position 2123, T replaced by G.
Protein change: p.Leu708Arg; replaces leucine 708 with arginine.
Molecular consequence: missense variant. On other transcripts: non-coding transcript variant (2).
Genome position (GRCh38, 1-based): chr9:127,502,850, T>G. VCF-style: chr9-127502850-T-G. GRCh37 (hg19) VCF-style: chr9-130265129-T-G.
Other names: c.2123T>G, p.Leu708Arg (NM_001005374.4, NM_001384142.1, NM_138361.5); c.2042T>G, p.Leu681Arg (NM_001190723.3); c.2024T>G, p.Leu675Arg (NM_001384143.1); c.1334T>G, p.Leu445Arg (NM_001384144.1); short protein forms L681R, L445R, L708R, L675R.
Identifiers: ClinVar variation 3662751 (VCV003662751.2).

ClinVar aggregate classification (germline): Uncertain significance (1 of 4 stars; one submission).

Conditions:
Charcot-Marie-Tooth disease axonal type 2P. Also called: CHARCOT-MARIE-TOOTH NEUROPATHY, TYPE 2P; Charcot-Marie-Tooth Neuropathy Type 2G; CHARCOT-MARIE-TOOTH DISEASE, AXONAL, TYPE 2G; CMT 2G. Identifiers: Orphanet 300319, Orphanet 99941, MedGen C3280797, MONDO:0013753, OMIM 614436.

Submission:

Labcorp Genetics (formerly Invitae), Labcorp
Classification: Uncertain significance for Charcot-Marie-Tooth disease axonal type 2P. Last evaluated: 2024-08-18. Review status: criteria provided, single submitter. Criteria: Invitae Variant Classification Sherloc (09022015). Collection method: clinical testing. Allele origin: germline.
Comment: This sequence change replaces leucine, which is neutral and non-polar, with arginine, which is basic and polar, at codon 708 of the LRSAM1 protein (p.Leu708Arg). This variant is not present in population databases (gnomAD no frequency). This variant has not been reported in the literature in individuals affected with LRSAM1-related conditions. Invitae Evidence Modeling of protein sequence and biophysical properties (such as structural, functional, and spatial information, amino acid conservation, physicochemical variation, residue mobility, and thermodynamic stability) indicates that this missense variant is expected to disrupt LRSAM1 protein function with a positive predictive value of 80%. In summary, the available evidence is currently insufficient to determine the role of this variant in disease. Therefore, it has been classified as a Variant of Uncertain Significance.